The following is an entry in ClinVar:

NM_000516.7(GNAS):c.773G>A (p.Arg258Gln)

Gene: GNAS (GNAS complex locus; plus strand). Cytogenetic location: 20q13.32.
Variant type: single nucleotide variant.
Coding change: c.773G>A on transcript NM_000516.7 (MANE Select); coding-DNA position 773, G replaced by A.
Protein change: p.Arg258Gln; replaces arginine 258 with glutamine.
Molecular consequence: missense variant. On other transcripts: 3 prime UTR variant (2).
Genome position (GRCh38, 1-based): chr20:58,909,738, G>A. VCF-style: chr20-58909738-G-A. GRCh37 (hg19) VCF-style: chr20-57484793-G-A.
Other names: c.776G>A, p.Arg259Gln (NM_001077488.5); c.728G>A, p.Arg243Gln (NM_001077489.4); c.*634G>A (NM_001077490.3); c.596G>A, p.Arg199Gln (NM_001309840.2, NM_001309861.2); c.*679G>A (NM_016592.5); c.2702G>A, p.Arg901Gln (NM_080425.4); c.731G>A, p.Arg244Gln (NM_080426.4); c.773G>A (NM_000516.5); short protein forms R258Q, R259Q, R901Q, R199Q, R243Q, R244Q.
Identifiers: ClinVar variation 453009 (VCV000453009.48), dbSNP rs1555891584, ClinGen allele CA409452590.

ClinVar aggregate classification (germline): Pathogenic/Likely pathogenic. Review status: criteria provided, multiple submitters, no conflicts (2 of 4 stars). 3 submissions from 3 submitters: Pathogenic (2); Likely pathogenic (1). Last evaluated 2025-06-05.

Conditions:
GNAS-related disorder. Identifiers: MedGen CN380105.

Submissions (3):

PreventionGenetics, part of Exact Sciences
Classification: Pathogenic for GNAS-related condition. Last evaluated: 2025-06-05. Review status: criteria provided, single submitter. Criteria: ACMG Guidelines, 2015. Collection method: clinical testing. Allele origin: germline.
Comment: The GNAS c.773G>A variant is predicted to result in the amino acid substitution p.Arg258Gln. This variant has not been reported in a large population database, indicating this variant is rare. This variant is interpreted as pathogenic.

GeneDx
Classification: Pathogenic. Last evaluated: 2025-05-27. Review status: criteria provided, single submitter. Criteria: GeneDx Variant Classification Process June 2021. Collection method: clinical testing. Allele origin: germline. Affected: yes.
Comment: Not observed at significant frequency in large population cohorts (gnomAD); In silico analysis supports that this missense variant has a deleterious effect on protein structure/function; This variant is associated with the following publications: (PMID: 29095814, 35982159, 33057194)

CeGaT Center for Human Genetics Tuebingen
Classification: Likely pathogenic. Last evaluated: 2020-03-01. Review status: criteria provided, single submitter. Criteria: CeGaT Center For Human Genetics Tuebingen Variant Classification Criteria Version 2. Collection method: clinical testing. Allele origin: germline. Affected: yes. Observed: 1 variant allele.